The following is an entry in ClinVar:

ClinVar aggregate classification (germline): Likely pathogenic (1 of 4 stars; one submission).

Conditions:
Branchiootorenal syndrome 1. Also called: Branchio-Oto-Renal Syndrome 1. Identifiers: Orphanet 107, MedGen C4551702, MONDO:0007236, OMIM 113650.

Submission:

Institute of Rare Diseases, West China Hospital, Sichuan University
Classification: Likely pathogenic for Branchiootorenal syndrome 1. Last evaluated: 2025-01-09. Review status: criteria provided, single submitter. Criteria: ClinGen HL ACMG Specifications v1. Collection method: research. Allele origin: germline. Affected: yes.
Comment: PVS1;PM2_Supporting

NM_000503.6(EYA1):c.578C>G (p.Ser193Ter)

Gene: EYA1 (EYA transcriptional coactivator and phosphatase 1; minus strand). Cytogenetic location: 8q13.3.
Variant type: single nucleotide variant.
Coding change: c.578C>G on transcript NM_000503.6 (MANE Select); coding-DNA position 578, C replaced by G.
Protein change: p.Ser193Ter; replaces serine 193 with a stop codon.
Molecular consequence: nonsense.
Genome position (GRCh38, 1-based): chr8:71,299,699, G>C on the plus strand (C>G on the coding strand, the complement: EYA1 is on the minus strand). VCF-style: chr8-71299699-G-C. GRCh37 (hg19) VCF-style: chr8-72211934-G-C.
Other names: c.560C>G, p.Ser187Ter (NM_001288574.2); c.212C>G, p.Ser71Ter (NM_001288575.2); c.665C>G, p.Ser222Ter (NM_001370333.1); c.578C>G, p.Ser193Ter (NM_001370334.1, NM_001370335.1, NM_172058.4); c.647C>G, p.Ser216Ter (NM_001370336.1); c.479C>G, p.Ser160Ter (NM_001411797.1, NM_172060.4); c.650C>G, p.Ser217Ter (NM_172059.5); short protein forms S160*, S187*, S193*, S216*, S217*, S222*, S71*.
Identifiers: ClinVar variation 3601087 (VCV003601087.1).